The following is an entry in ClinVar:

ClinVar aggregate classification (germline): Uncertain significance (1 of 4 stars; one submission).

Conditions:
Cardiovascular phenotype. Identifiers: MedGen CN230736.

Submission:

Ambry Genetics
Classification: Uncertain significance for Cardiovascular phenotype. Last evaluated: 2019-04-12. Review status: criteria provided, single submitter. Criteria: Ambry Variant Classification Scheme 2023. Collection method: clinical testing. Allele origin: germline.
Comment: The p.D9091G variant (also known as c.27272A>G), located in coding exon 109 of the TTN gene, results from an A to G substitution at nucleotide position 27272. The aspartic acid at codon 9091 is replaced by glycine, an amino acid with similar properties. This amino acid position is not well conserved in available vertebrate species. In addition, this alteration is predicted to be benign and unknown by PolyPhen and SIFT in silico analyses, respectively. Since supporting evidence is limited at this time, the clinical significance of this alteration remains unclear.

NM_001267550.2(TTN):c.54467A>G (p.Asp18156Gly)

Genes: TTN (titin; minus strand), TTN-AS1 (TTN antisense RNA 1; plus strand). Cytogenetic location: 2q31.2.
Variant type: single nucleotide variant.
Coding change: c.54467A>G on transcript NM_001267550.2 (MANE Select); coding-DNA position 54467, A replaced by G.
Protein change: p.Asp18156Gly; replaces aspartic acid 18156 with glycine.
Molecular consequence: missense variant.
Genome position (GRCh38, 1-based): chr2:178,604,220, T>C on the plus strand (A>G on the coding strand, the complement: TTN is on the minus strand). VCF-style: chr2-178604220-T-C. GRCh37 (hg19) VCF-style: chr2-179468947-T-C.
Other names: c.49544A>G, p.Asp16515Gly (NM_001256850.1); c.27272A>G, p.Asp9091Gly (NM_003319.4); c.46763A>G, p.Asp15588Gly (NM_133378.4); c.27647A>G, p.Asp9216Gly (NM_133432.3); c.27848A>G, p.Asp9283Gly (NM_133437.4); short protein forms D16515G, D18156G, D9216G, D15588G, D9091G, D9283G.
Identifiers: ClinVar variation 1795242 (VCV001795242.2), dbSNP rs2470123409, ClinGen allele CA349552492.